The following is an entry in ClinVar:

NM_003476.5(CSRP3):c.572A>T (p.Glu191Val)

Gene: CSRP3 (cysteine and glycine rich protein 3; minus strand). Cytogenetic location: 11p15.1.
Variant type: single nucleotide variant.
Coding change: c.572A>T on transcript NM_003476.5 (MANE Select); coding-DNA position 572, A replaced by T.
Protein change: p.Glu191Val; replaces glutamic acid 191 with valine.
Molecular consequence: missense variant. On other transcripts: nonsense (1).
Genome position (GRCh38, 1-based): chr11:19,182,683, T>A on the plus strand (A>T on the coding strand, the complement: CSRP3 is on the minus strand). VCF-style: chr11-19182683-T-A. GRCh37 (hg19) VCF-style: chr11-19204230-T-A.
Other names: c.572A>T, p.Glu191Val (NM_001127656.1); c.403A>T, p.Lys135Ter (NM_001369404.1); short protein forms E191V, K135*.
Identifiers: ClinVar variation 1749315 (VCV001749315.4), dbSNP rs1376418428, ClinGen allele CA379887461.

ClinVar aggregate classification (germline): Uncertain significance. Review status: criteria provided, multiple submitters, no conflicts (2 of 4 stars). 2 submissions from 2 submitters: Uncertain significance (2). Last evaluated 2025-04-22.

Conditions:
Hypertrophic cardiomyopathy 12. Identifiers: MedGen C2677491, MONDO:0012804, OMIM 612124.
Dilated cardiomyopathy 1M (CMD1M). Identifiers: Orphanet 154, MedGen C1843808, MONDO:0011840, OMIM 607482.
Cardiovascular phenotype. Identifiers: MedGen CN230736.

Allele frequency attached by ClinVar (database versions not stated): gnomAD exomes below 0.00001; TOPMed 0.00002; gnomAD 0.00003.
gnomAD v4.1: 5 of 1,614,060 alleles (0.00031%); highest among the groups gnomAD compares: African/African-American, 0.0067%; no homozygotes.

Submissions (2):

Labcorp Genetics (formerly Invitae), Labcorp
Classification: Uncertain significance for Hypertrophic cardiomyopathy 12; Dilated cardiomyopathy 1M. Last evaluated: 2025-04-22. Review status: criteria provided, single submitter. Criteria: Invitae Variant Classification Sherloc (09022015). Collection method: clinical testing. Allele origin: germline.
Comment: This sequence change replaces glutamic acid, which is acidic and polar, with valine, which is neutral and non-polar, at codon 191 of the CSRP3 protein (p.Glu191Val). This variant is present in population databases (no rsID available, gnomAD 0.007%). This variant has not been reported in the literature in individuals affected with CSRP3-related conditions. ClinVar contains an entry for this variant (Variation ID: 1749315). An algorithm developed to predict the effect of missense changes on protein structure and function (PolyPhen-2) suggests that this variant is likely to be tolerated. Algorithms developed to predict the effect of sequence changes on RNA splicing suggest that this variant may disrupt the consensus splice site. In summary, the available evidence is currently insufficient to determine the role of this variant in disease. Therefore, it has been classified as a Variant of Uncertain Significance.

Ambry Genetics
Classification: Uncertain significance for Cardiovascular phenotype. Last evaluated: 2025-03-04. Review status: criteria provided, single submitter. Criteria: Ambry Variant Classification Scheme 2023. Collection method: clinical testing. Allele origin: germline.
Comment: The p.E191V variant (also known as c.572A>T), located in coding exon 5 of the CSRP3 gene, results from an A to T substitution at nucleotide position 572. The glutamic acid at codon 191 is replaced by valine, an amino acid with dissimilar properties. This amino acid position is conserved. In addition, the in silico prediction for this alteration is inconclusive. Since supporting evidence is limited at this time, the clinical significance of this alteration remains unclear.